The following is an entry in ClinVar:

ClinVar aggregate classification (germline): Uncertain significance (1 of 4 stars; one submission).

gnomAD v4.1: 2 of 1,610,228 alleles (0.00012%); highest among the groups gnomAD compares: Non-Finnish European, 0.000085%; no homozygotes.

Submission:

Labcorp Genetics (formerly Invitae), Labcorp
Classification: Uncertain significance. Last evaluated: 2024-12-24. Review status: criteria provided, single submitter. Criteria: Invitae Variant Classification Sherloc (09022015). Collection method: clinical testing. Allele origin: germline.
Comment: This sequence change replaces proline, which is neutral and non-polar, with serine, which is neutral and polar, at codon 658 of the DDX58 protein (p.Pro658Ser). This variant is present in population databases (no rsID available, gnomAD 0.0009%). This variant has not been reported in the literature in individuals affected with DDX58-related conditions. Invitae Evidence Modeling of protein sequence and biophysical properties (such as structural, functional, and spatial information, amino acid conservation, physicochemical variation, residue mobility, and thermodynamic stability) indicates that this missense variant is not expected to disrupt DDX58 protein function with a negative predictive value of 80%. In summary, the available evidence is currently insufficient to determine the role of this variant in disease. Therefore, it has been classified as a Variant of Uncertain Significance.

NM_014314.4(RIGI):c.1972C>T (p.Pro658Ser)

Gene: RIGI (RNA sensor RIG-I; minus strand). Cytogenetic location: 9p21.1.
Variant type: single nucleotide variant.
Coding change: c.1972C>T on transcript NM_014314.4 (MANE Select); coding-DNA position 1972, C replaced by T.
Protein change: p.Pro658Ser; replaces proline 658 with serine.
Molecular consequence: missense variant.
Genome position (GRCh38, 1-based): chr9:32,473,017, G>A on the plus strand (C>T on the coding strand, the complement: RIGI is on the minus strand). VCF-style: chr9-32473017-G-A. GRCh37 (hg19) VCF-style: chr9-32473015-G-A.
Other names: c.1966C>T, p.Pro656Ser (NM_001385907.1); c.1972C>T, p.Pro658Ser (NM_001385909.1); c.1531C>T, p.Pro511Ser (NM_001385910.1); c.1363C>T, p.Pro455Ser (NM_001385912.1); c.1957C>T, p.Pro653Ser (NM_001385913.1); c.1528C>T, p.Pro510Ser (NM_001385914.1); short protein forms P511S, P656S, P658S, P510S, P455S, P653S.
Identifiers: ClinVar variation 3661483 (VCV003661483.2).
Genomic context (GRCh38, chr9:32,473,017, plus strand): 5'-TTCACTATATATAAATACCTGTGTTCTGATTTGTTTTGCCACGTCCAGTCAATATGCCAG[G>A]TTTTAGAAAACTGAGTTTAGGATTTCCTTCAATCCAATTTTTTAAAGCCTGAAAATGAAA-3'
Protein context (NP_055129.2, residues 648-668): EGNPKLSFLK[Pro658Ser]GILTGRGKTN